The following is an entry in ClinVar:

ClinVar aggregate classification (germline): Likely benign (0 of 4 stars; one submission).

Conditions:
MYH10-related disorder. Also called: MYH10-related condition.

Allele frequency attached by ClinVar (database versions not stated): gnomAD exomes 0.00017; ExAC 0.00058; gnomAD 0.00153; ESP Exome Variant Server 0.00192; TOPMed 0.00194; 1000 Genomes Project 0.00200; 1000 Genomes Project 30x 0.00203.
gnomAD v4.1: 488 of 1,614,110 alleles (0.03%); highest among the groups gnomAD compares: African/African-American, 0.52%; 3 homozygotes.

Submission:

PreventionGenetics, part of Exact Sciences
Classification: Likely benign for MYH10-related condition. Last evaluated: 2019-05-24. Review status: no assertion criteria provided. Collection method: clinical testing. Allele origin: germline.
Comment: This variant is classified as likely benign based on ACMG/AMP sequence variant interpretation guidelines (Richards et al. 2015 PMID: 25741868, with internal and published modifications).

NM_001256012.3(MYH10):c.4296G>A (p.Ala1432=)

Gene: MYH10 (myosin heavy chain 10; minus strand). Cytogenetic location: 17p13.1.
Variant type: single nucleotide variant.
Coding change: c.4296G>A on transcript NM_001256012.3 (MANE Select); coding-DNA position 4296, G replaced by A.
Protein change: p.Ala1432=; no amino-acid change (alanine 1432 retained).
Molecular consequence: synonymous variant.
Genome position (GRCh38, 1-based): chr17:8,492,938, C>T on the plus strand (G>A on the coding strand, the complement: MYH10 is on the minus strand). VCF-style: chr17-8492938-C-T. GRCh37 (hg19) VCF-style: chr17-8396256-C-T.
Other names: c.4230G>A, p.Ala1410= (NM_001256095.2); c.4233G>A, p.Ala1411= (NM_001375266.1); c.4203G>A, p.Ala1401= (NM_005964.5).
Identifiers: ClinVar variation 3039312 (VCV003039312.2), dbSNP rs35712248, ClinGen allele CA8377219.